The following is an entry in ClinVar:

NM_144643.4(SCLT1):c.7G>T (p.Ala3Ser)

Gene: SCLT1 (sodium channel and clathrin linker 1; minus strand). Cytogenetic location: 4q28.2.
Variant type: single nucleotide variant.
Coding change: c.7G>T on transcript NM_144643.4 (MANE Select); coding-DNA position 7, G replaced by T.
Protein change: p.Ala3Ser; replaces alanine 3 with serine.
Molecular consequence: missense variant.
Genome position (GRCh38, 1-based): chr4:129,093,097, C>A on the plus strand (G>T on the coding strand, the complement: SCLT1 is on the minus strand). VCF-style: chr4-129093097-C-A. GRCh37 (hg19) VCF-style: chr4-130014252-C-A.
Other names: c.7G>T, p.Ala3Ser (NM_001300897.2, NM_001300898.2, NM_001410807.1); short protein forms A3S.
Identifiers: ClinVar variation 2838312 (VCV002838312.3), dbSNP rs1324626785, ClinGen allele CA358238027.

ClinVar aggregate classification (germline): Uncertain significance (1 of 4 stars; one submission).

Submission:

Labcorp Genetics (formerly Invitae), Labcorp
Classification: Uncertain significance. Last evaluated: 2023-12-11. Review status: criteria provided, single submitter. Criteria: Invitae Variant Classification Sherloc (09022015). Collection method: clinical testing. Allele origin: germline.
Comment: This sequence change replaces alanine, which is neutral and non-polar, with serine, which is neutral and polar, at codon 3 of the SCLT1 protein (p.Ala3Ser). This variant is not present in population databases (gnomAD no frequency). This variant has not been reported in the literature in individuals affected with SCLT1-related conditions. An algorithm developed to predict the effect of missense changes on protein structure and function (PolyPhen-2) suggests that this variant is likely to be tolerated. In summary, the available evidence is currently insufficient to determine the role of this variant in disease. Therefore, it has been classified as a Variant of Uncertain Significance.